The following is an entry in ClinVar:

ClinVar aggregate classification (germline): Likely benign (1 of 4 stars; one submission).

gnomAD v4.1: 34 of 1,614,092 alleles (0.0021%); highest among the groups gnomAD compares: Middle Eastern, 0.25%; 1 homozygote.

Submission:

CeGaT Center for Human Genetics Tuebingen
Classification: Likely benign. Last evaluated: 2024-10-01. Review status: criteria provided, single submitter. Criteria: CeGaT Center For Human Genetics Tuebingen Variant Classification Criteria Version 2. Collection method: clinical testing. Allele origin: germline. Affected: yes. Observed: 1 variant allele.
Comment: KDM5B: BP4, BP7

NM_006618.5(KDM5B):c.3777C>T (p.Thr1259=)

Gene: KDM5B (lysine demethylase 5B; minus strand). Cytogenetic location: 1q32.1.
Variant type: single nucleotide variant.
Coding change: c.3777C>T on transcript NM_006618.5 (MANE Select); coding-DNA position 3777, C replaced by T.
Protein change: p.Thr1259=; no amino-acid change (threonine 1259 retained).
Molecular consequence: synonymous variant.
Genome position (GRCh38, 1-based): chr1:202,733,533, G>A on the plus strand (C>T on the coding strand, the complement: KDM5B is on the minus strand). VCF-style: chr1-202733533-G-A. GRCh37 (hg19) VCF-style: chr1-202702661-G-A.
Other names: c.3885C>T, p.Thr1295= (NM_001314042.2); c.3642C>T, p.Thr1214= (NM_001347591.2); c.3762C>T, p.Thr1254= (NM_001399817.1).
Identifiers: ClinVar variation 3388114 (VCV003388114.14).